The following is an entry in ClinVar:

ClinVar aggregate classification (germline): Uncertain significance (0 of 4 stars; one submission).

Conditions:
APC-related disorder. Also called: APC-related condition.

Submission:

PreventionGenetics, part of Exact Sciences
Classification: Uncertain significance for APC-related condition. Last evaluated: 2024-02-12. Review status: no assertion criteria provided. Collection method: clinical testing. Allele origin: germline.
Comment: The APC c.646-20_646-7del14 variant is predicted to result in an intronic deletion. This variant is predicted to alter splicing based on available splicing prediction programs (Alamut Visual Plus v1.6.1). However, the use of computer prediction programs is not equivalent to functional evidence. To our knowledge, this variant has not been reported in the literature or in a large population database, indicating this variant is rare. This variant is not present in ClinVar. This variant is interpreted as uncertain.

NM_000038.6(APC):c.646-20_646-7del

Gene: APC (APC regulator of WNT signaling pathway; plus strand). Cytogenetic location: 5q22.2.
Variant type: Deletion.
Coding change: c.646-20_646-7del on transcript NM_000038.6 (MANE Select); 20 bases into the intron before coding-DNA position 646 through 7 bases into the intron before coding-DNA position 646, 14 bases deleted (GGTTTCTTGTTTTA).
Molecular consequence: intron variant.
Genome position (GRCh38, 1-based): chr5:112,792,426-112,792,439, GGTTTCTTGTTTTA deleted; deleting any 14 consecutive bases within chr5:112,792,423-112,792,439 gives the same sequence; the c. name uses the placement nearest the transcript's 3' end. VCF-style (leftmost placement, unchanged base first): chr5-112792422-ATTAGGTTTCTTGTT-A. GRCh37 (hg19) VCF-style: chr5-112128119-ATTAGGTTTCTTGTT-A.
Other names: c.-390-20_-390-7del (NM_001407470.1, NM_001407472.1, NM_001354906.2 and 1 more transcripts); c.646-20_646-7del (NM_001407447.1, NM_001354895.2, NM_001407456.1 and 12 more transcripts); c.646-8853_646-8840del (NM_001407452.1, NM_001407469.1, NM_001354899.2 and 1 more transcripts); c.676-20_676-7del (NM_001407446.1, NM_001354897.2, NM_001354902.2); c.676-8853_676-8840del (NM_001127511.3); c.469-20_469-7del (NM_001407453.1, NM_001354900.2, NM_001354901.2 and 1 more transcripts); c.571-20_571-7del (NM_001407451.1, NM_001354898.2, NM_001354904.2).
Identifiers: ClinVar variation 3061338 (VCV003061338.2), dbSNP rs2532630374, ClinGen allele CA2740094012.